The following is an entry in ClinVar:

NM_001291088.2(WDR87):c.6792T>G (p.His2264Gln)

Gene: WDR87 (WD repeat domain 87; minus strand). Cytogenetic location: 19q13.13.
Variant type: single nucleotide variant.
Coding change: c.6792T>G on transcript NM_001291088.2 (MANE Select); coding-DNA position 6792, T replaced by G.
Protein change: p.His2264Gln; replaces histidine 2264 with glutamine.
Molecular consequence: missense variant.
Genome position (GRCh38, 1-based): chr19:37,886,879, A>C on the plus strand (T>G on the coding strand, the complement: WDR87 is on the minus strand). VCF-style: chr19-37886879-A-C. GRCh37 (hg19) VCF-style: chr19-38377519-A-C.
Other names: c.6675T>G, p.His2225Gln (NM_031951.5); short protein forms H2225Q, H2264Q.
Identifiers: ClinVar variation 3469726 (VCV003469726.2).
Genomic context (GRCh38, chr19:37,886,879, plus strand): 5'-AGAAGACAAACTCTCTTGCTTTTCTAGTTCATCTAACAGGCTTTCCATTTCTTCAGAAAA[A>C]TGCTCTTCACTTTCCACTTCATCCACTTGACTGGAAAACTTTTCTTTTGGTTTGTCACCT-3'
Protein context (NP_001278017.1, residues 2254-2274): SQVDEVESEE[His2264Gln]FSEEMESLLD

ClinVar aggregate classification (germline): Uncertain significance. Review status: criteria provided, multiple submitters, no conflicts (2 of 4 stars). 2 submissions from 2 submitters: Uncertain significance (2). Last evaluated 2025-05-28.

gnomAD v4.1: 70 of 1,551,404 alleles (0.0045%); highest among the groups gnomAD compares: African/African-American, 0.083%; no homozygotes.

Submissions (2):

Labcorp Genetics (formerly Invitae), Labcorp
Classification: Uncertain significance. Last evaluated: 2025-05-28. Review status: criteria provided, single submitter. Criteria: Invitae Variant Classification Sherloc (09022015). Collection method: clinical testing. Allele origin: germline.
Comment: This sequence change replaces histidine, which is basic and polar, with glutamine, which is neutral and polar, at codon 2225 of the WDR87 protein (p.His2225Gln). This variant is present in population databases (rs74420483, gnomAD 0.08%), and has an allele count higher than expected for a pathogenic variant. This variant has not been reported in the literature in individuals affected with WDR87-related conditions. ClinVar contains an entry for this variant (Variation ID: 3469726). Experimental studies and prediction algorithms are not available or were not evaluated, and the functional significance of this variant is currently unknown. In summary, the available evidence is currently insufficient to determine the role of this variant in disease. Therefore, it has been classified as a Variant of Uncertain Significance.

Ambry Genetics
Classification: Uncertain significance. Last evaluated: 2024-12-05. Review status: criteria provided, single submitter. Criteria: Ambry Variant Classification Scheme 2023. Collection method: clinical testing. Allele origin: germline.